The following is an entry in ClinVar:

ClinVar aggregate classification (germline): Uncertain significance. Review status: criteria provided, multiple submitters, no conflicts (2 of 4 stars). 2 submissions from 2 submitters: Uncertain significance (2). Last evaluated 2023-04-25.

Conditions:
Peroxisome biogenesis disorder 7A (Zellweger). Also called: Peroxisome biogenesis disorder 7A. Identifiers: Orphanet 912, MedGen C3888385, MONDO:0013938, OMIM 614872.
Peroxisome biogenesis disorder 7B (PBD7B). Identifiers: Orphanet 44, MedGen C3553951, MONDO:0013939, OMIM 614873.

Allele frequency attached by ClinVar (database versions not stated): gnomAD exomes below 0.00001; TOPMed 0.00001.
gnomAD v4.1: 4 of 1,600,158 alleles (0.00025%); highest among the groups gnomAD compares: Non-Finnish European, 0.00034%; no homozygotes.

Submissions (2):

Blueprint Genetics
Classification: Uncertain significance. Last evaluated: 2023-04-25. Review status: criteria provided, single submitter. Criteria: ACMG Guidelines, 2015. Collection method: clinical testing. Allele origin: germline.

Labcorp Genetics (formerly Invitae), Labcorp
Classification: Uncertain significance for Peroxisome biogenesis disorder 7A (Zellweger); Peroxisome biogenesis disorder 7B. Last evaluated: 2021-08-27. Review status: criteria provided, single submitter. Criteria: Invitae Variant Classification Sherloc (09022015). Collection method: clinical testing. Allele origin: germline.
Comment: Algorithms developed to predict the effect of missense changes on protein structure and function are either unavailable or do not agree on the potential impact of this missense change (SIFT: "Deleterious"; PolyPhen-2: "Benign"; Align-GVGD: "Class C0"). In summary, the available evidence is currently insufficient to determine the role of this variant in disease. Therefore, it has been classified as a Variant of Uncertain Significance. This variant has not been reported in the literature in individuals affected with PEX26-related conditions. This variant is not present in population databases (ExAC no frequency). This sequence change replaces serine with leucine at codon 6 of the PEX26 protein (p.Ser6Leu). The serine residue is moderately conserved and there is a large physicochemical difference between serine and leucine.

NM_001127649.3(PEX26):c.17C>T (p.Ser6Leu)

Genes: PEX26 (peroxisomal biogenesis factor 26; plus strand), LOC130066940 (ATAC-STARR-seq lymphoblastoid silent region 13448; plus strand). Cytogenetic location: 22q11.21.
Variant type: single nucleotide variant.
Coding change: c.17C>T on transcript NM_001127649.3 (MANE Select); coding-DNA position 17, C replaced by T.
Protein change: p.Ser6Leu; replaces serine 6 with leucine.
Molecular consequence: missense variant.
Genome position (GRCh38, 1-based): chr22:18,078,393, C>T. VCF-style: chr22-18078393-C-T. GRCh37 (hg19) VCF-style: chr22-18561159-C-T.
Other names: c.17C>T, p.Ser6Leu (NM_001199319.2, NM_017929.6); short protein forms S6L.
Identifiers: ClinVar variation 1489424 (VCV001489424.7), dbSNP rs770013891, ClinGen allele CA410264055.